The following is an entry in ClinVar:

NM_016653.3(MAP3K20):c.155A>G (p.Lys52Arg)

Gene: MAP3K20 (mitogen-activated protein kinase kinase kinase 20; plus strand). Cytogenetic location: 2q31.1.
Variant type: single nucleotide variant.
Coding change: c.155A>G on transcript NM_016653.3 (MANE Select); coding-DNA position 155, A replaced by G.
Protein change: p.Lys52Arg; replaces lysine 52 with arginine.
Molecular consequence: missense variant.
Genome position (GRCh38, 1-based): chr2:173,091,186, A>G. VCF-style: chr2-173091186-A-G. GRCh37 (hg19) VCF-style: chr2-173955914-A-G.
Other names: c.155A>G, p.Lys52Arg (NM_133646.3); short protein forms K52R.
Identifiers: ClinVar variation 1931275 (VCV001931275.5), dbSNP rs1251556221, ClinGen allele CA349312349.
Genomic context (GRCh38, chr2:173,091,186, plus strand): 5'-GAGCCAAATGGATATCACAGGACAAGGAGGTGGCTGTAAAGAAGCTCCTCAAAATAGAGA[A>G]AGAGGTAAGGTCTTTTCCAGCTGACAGAAACAGTCACGATACCATTTATGTAAGCTTTTT-3'
Protein context (NP_057737.2, residues 42-62): VAVKKLLKIE[Lys52Arg]EAEILSVLSH

ClinVar aggregate classification (germline): Uncertain significance (1 of 4 stars; one submission).

Allele frequency attached by ClinVar (database versions not stated): gnomAD exomes below 0.00001.
gnomAD v4.1: 3 of 1,611,946 alleles (0.00019%); highest among the groups gnomAD compares: Non-Finnish European, 0.00025%; no homozygotes.

Submission:

Labcorp Genetics (formerly Invitae), Labcorp
Classification: Uncertain significance. Last evaluated: 2021-12-23. Review status: criteria provided, single submitter. Criteria: Invitae Variant Classification Sherloc (09022015). Collection method: clinical testing. Allele origin: germline.
Comment: This sequence change replaces lysine, which is basic and polar, with arginine, which is basic and polar, at codon 52 of the MAP3K20 protein (p.Lys52Arg). This variant is present in population databases (no rsID available, gnomAD 0.0009%). This variant has not been reported in the literature in individuals affected with MAP3K20-related conditions. Experimental studies and prediction algorithms are not available or were not evaluated, and the functional significance of this variant is currently unknown. In summary, the available evidence is currently insufficient to determine the role of this variant in disease. Therefore, it has been classified as a Variant of Uncertain Significance.